The following is an entry in ClinVar:

ClinVar aggregate classification (germline): Uncertain significance (1 of 4 stars; one submission).

Conditions:
SEMA3G-related disorder. Also called: SEMA3G-related condition.

Submission:

PreventionGenetics, part of Exact Sciences
Classification: Uncertain significance for SEMA3G-related condition. Last evaluated: 2026-09-01. Review status: criteria provided, single submitter. Criteria: ACMG Guidelines, 2015. Collection method: clinical testing. Allele origin: germline.
Comment: The SEMA3G c.929-1G>C variant is predicted to disrupt the AG splice acceptor site and interfere with normal splicing. To our knowledge, this variant has not been reported in the literature. This variant is reported in 0.00088% of alleles in individuals of European (Non-Finnish) descent in gnomAD. At this time, the clinical significance of this variant is uncertain due to the absence of conclusive functional and genetic evidence.

NM_020163.3(SEMA3G):c.929-1G>C

Gene: SEMA3G (semaphorin 3G; minus strand). Cytogenetic location: 3p21.1.
Variant type: single nucleotide variant.
Coding change: c.929-1G>C on transcript NM_020163.3 (MANE Select); the canonical splice acceptor site of the intron before coding-DNA position 929, G replaced by C.
Molecular consequence: splice acceptor variant.
Genome position (GRCh38, 1-based): chr3:52,440,824, C>G on the plus strand (G>C on the coding strand, the complement: SEMA3G is on the minus strand). VCF-style: chr3-52440824-C-G. GRCh37 (hg19) VCF-style: chr3-52474840-C-G.
Identifiers: ClinVar variation 4983982 (VCV004983982.1).